The following is an entry in ClinVar:

ClinVar aggregate classification (germline): Uncertain significance (1 of 4 stars; one submission).

Allele frequency attached by ClinVar (database versions not stated): TOPMed below 0.00001; gnomAD 0.00001; gnomAD exomes 0.00002.
gnomAD v4.1: 34 of 1,614,098 alleles (0.0021%); highest among the groups gnomAD compares: Middle Eastern, 0.016%; no homozygotes.

Submission:

Labcorp Genetics (formerly Invitae), Labcorp
Classification: Uncertain significance. Last evaluated: 2022-09-06. Review status: criteria provided, single submitter. Criteria: Invitae Variant Classification Sherloc (09022015). Collection method: clinical testing. Allele origin: germline.
Comment: This sequence change replaces isoleucine, which is neutral and non-polar, with valine, which is neutral and non-polar, at codon 1046 of the FAT4 protein (p.Ile1046Val). This variant is present in population databases (no rsID available, gnomAD 0.004%). This variant has not been reported in the literature in individuals affected with FAT4-related conditions. Advanced modeling of protein sequence and biophysical properties (such as structural, functional, and spatial information, amino acid conservation, physicochemical variation, residue mobility, and thermodynamic stability) performed at Invitae indicates that this missense variant is not expected to disrupt FAT4 protein function. In summary, the available evidence is currently insufficient to determine the role of this variant in disease. Therefore, it has been classified as a Variant of Uncertain Significance.

NM_001291303.3(FAT4):c.3136A>G (p.Ile1046Val)

Gene: FAT4 (FAT atypical cadherin 4; plus strand). Cytogenetic location: 4q28.1.
Variant type: single nucleotide variant.
Coding change: c.3136A>G on transcript NM_001291303.3 (MANE Select); coding-DNA position 3136, A replaced by G.
Protein change: p.Ile1046Val; replaces isoleucine 1046 with valine.
Molecular consequence: missense variant.
Genome position (GRCh38, 1-based): chr4:125,319,547, A>G. VCF-style: chr4-125319547-A-G. GRCh37 (hg19) VCF-style: chr4-126240702-A-G.
Other names: c.3136A>G, p.Ile1046Val (NM_001291285.3, NM_024582.6); short protein forms I1046V.
Identifiers: ClinVar variation 1930286 (VCV001930286.2), dbSNP rs1467740773, ClinGen allele CA358121844.